The following is an entry in ClinVar:

NM_004004.6(GJB2):c.16C>A (p.Leu6Met)

Gene: GJB2 (gap junction protein beta 2; minus strand). Cytogenetic location: 13q12.11.
Variant type: single nucleotide variant.
Coding change: c.16C>A on transcript NM_004004.6 (MANE Select); coding-DNA position 16, C replaced by A.
Protein change: p.Leu6Met; replaces leucine 6 with methionine.
Molecular consequence: missense variant.
Genome position (GRCh38, 1-based): chr13:20,189,566, G>T on the plus strand (C>A on the coding strand, the complement: GJB2 is on the minus strand). VCF-style: chr13-20189566-G-T. GRCh37 (hg19) VCF-style: chr13-20763705-G-T.
Other names: short protein forms L6M.
Identifiers: ClinVar variation 3340787 (VCV003340787.1).

ClinVar aggregate classification (germline): Uncertain significance (1 of 4 stars; one submission).

Submission:

GeneDx
Classification: Uncertain significance. Last evaluated: 2023-11-14. Review status: criteria provided, single submitter. Criteria: GeneDx Variant Classification Process June 2021. Collection method: clinical testing. Allele origin: germline. Affected: yes.
Comment: Not observed at significant frequency in large population cohorts (gnomAD); In silico analysis supports that this missense variant does not alter protein structure/function; Has not been previously published as pathogenic or benign to our knowledge